The following is an entry in ClinVar:

ClinVar aggregate classification (germline): Conflicting classifications of pathogenicity. Review status: criteria provided, conflicting classifications (1 of 4 stars). 5 submissions from 4 submitters: Uncertain significance (4); Benign (1). Last evaluated 2024-07-04.

Conditions:
Brugada syndrome 5 (BRGDA5). Identifiers: Orphanet 130, Orphanet 871, MedGen C2748541, MONDO:0013015, OMIM 612838.
Generalized epilepsy with febrile seizures plus, type 1 (GEFSP1). Also called: GEFS+, TYPE 1. Identifiers: Orphanet 36387, MedGen C1858672, MONDO:0011416, OMIM 604233.
Cardiovascular phenotype. Identifiers: MedGen CN230736.

Allele frequency attached by ClinVar (database versions not stated): gnomAD 0.00002; TOPMed 0.00002; gnomAD exomes 0.00003 and 0.00005; ExAC 0.00009; ESP Exome Variant Server 0.00015.
gnomAD v4.1: 46 of 1,613,870 alleles (0.0029%); highest among the groups gnomAD compares: Non-Finnish European, 0.0033%; no homozygotes.

Submissions (5):

Labcorp Genetics (formerly Invitae), Labcorp
Classification: Uncertain significance for Brugada syndrome 5. Last evaluated: 2024-07-04. Review status: criteria provided, single submitter. Criteria: Invitae Variant Classification Sherloc (09022015). Collection method: clinical testing. Allele origin: germline.
Comment: This sequence change replaces arginine, which is basic and polar, with glutamine, which is neutral and polar, at codon 96 of the SCN1B protein (p.Arg96Gln). This variant is present in population databases (rs372289648, gnomAD 0.01%). This missense change has been observed in individual(s) with clinical features of SCN1B-related conditions (PMID: 26704558, 32651551). ClinVar contains an entry for this variant (Variation ID: 889314). An algorithm developed to predict the effect of missense changes on protein structure and function (PolyPhen-2) suggests that this variant is likely to be disruptive. In summary, the available evidence is currently insufficient to determine the role of this variant in disease. Therefore, it has been classified as a Variant of Uncertain Significance.

Ambry Genetics
Classification: Uncertain significance for Cardiovascular phenotype. Last evaluated: 2023-11-13. Review status: criteria provided, single submitter. Criteria: Ambry Variant Classification Scheme 2023. Collection method: clinical testing. Allele origin: germline.
Comment: The p.R96Q variant (also known as c.287G>A), located in coding exon 3 of the SCN1B gene, results from a G to A substitution at nucleotide position 287. The arginine at codon 96 is replaced by glutamine, an amino acid with highly similar properties. This variant has been detected in an individual from a sudden death in epilepsy cohort; however, details were limited (Bagnall RD et al. Ann Neurol, 2016 Apr;79:522-34). This amino acid position is well conserved in available vertebrate species. In addition, the in silico prediction for this alteration is inconclusive. Based on data from gnomAD, the frequency for this variant is above the maximum credible frequency for an autosomal dominant SCN1B-related epilepsy or Brugada syndrome-causing variant in this gene based on internally established thresholds (Karczewski et al. Nature. 2020 May;581(7809):434-443; Whiffin et al. Genet Med. 2017 10;19:1151-1158). Based on the supporting evidence, this variant is unlikely to be causative of autosomal dominant SCN1B-related epilepsy or Brugada syndrome; however, its contribution to the development of autosomal recessive SCN1B-related developmental and epileptic encephalopathy is uncertain.

GeneDx
Classification: Uncertain significance. Last evaluated: 2020-08-19. Review status: criteria provided, single submitter. Criteria: GeneDx Variant Classification Process June 2021. Collection method: clinical testing. Allele origin: germline. Affected: yes.
Comment: Previously reported in one individual with sudden cardiac death who was diagnosed with hypertrophic cardiomyopathy on autopsy; however, this individual was also found to harbor a second cardiogenetic variant in a different gene, and no segregation data or additional clinical information was provided (Hertz et al., 2015; Previously reported in an individual with sudden unexpected death in epilepsy and no reported cardiac phenotype (Bagnall et al., 2016); In silico analysis supports that this missense variant does not alter protein structure/function; This variant is associated with the following publications: (PMID: 32651551, 26383259, 26704558)

Illumina Laboratory Services, Illumina
Classification: Uncertain significance for Generalized epilepsy with febrile seizures plus, type 1. Last evaluated: 2017-04-27. Review status: criteria provided, single submitter. Criteria: ICSL Variant Classification Criteria 13 December 2019. Collection method: clinical testing. Allele origin: germline.

Illumina Laboratory Services, Illumina
Classification: Benign for Brugada syndrome 5. Last evaluated: 2017-04-27. Review status: criteria provided, single submitter. Criteria: ICSL Variant Classification Criteria 13 December 2019. Collection method: clinical testing. Allele origin: germline.
Comment: This variant was observed as part of a predisposition screen in an ostensibly healthy population. A literature search was performed for the gene, cDNA change, and amino acid change (where applicable). No publications were found based on this search. Allele frequency data from public databases was too high to be consistent with this variant causing disease. Therefore, this variant is classified as benign.

Literature cited by the submitters: PubMed 26704558 (cited by Labcorp Genetics (formerly Invitae), Labcorp and Ambry Genetics); PubMed 32651551 (cited by Labcorp Genetics (formerly Invitae), Labcorp and Ambry Genetics).

NM_001037.5(SCN1B):c.287G>A (p.Arg96Gln)

Gene: SCN1B (sodium voltage-gated channel beta subunit 1; plus strand). Cytogenetic location: 19q13.11.
Variant type: single nucleotide variant.
Coding change: c.287G>A on transcript NM_001037.5 (MANE Select); coding-DNA position 287, G replaced by A.
Protein change: p.Arg96Gln; replaces arginine 96 with glutamine.
Molecular consequence: missense variant.
Genome position (GRCh38, 1-based): chr19:35,033,578, G>A. VCF-style: chr19-35033578-G-A. GRCh37 (hg19) VCF-style: chr19-35524482-G-A.
Other names: c.188G>A, p.Arg63Gln (NM_001321605.2); c.287G>A, p.Arg96Gln (NM_199037.5); short protein forms R63Q, R96Q.
Identifiers: ClinVar variation 889314 (VCV000889314.12), dbSNP rs372289648, ClinGen allele CA9372002.